The following is an entry in ClinVar:

NM_001256864.2(DNAJC6):c.264G>A (p.Gly88=)

Gene: DNAJC6 (DnaJ heat shock protein family (Hsp40) member C6; plus strand). Cytogenetic location: 1p31.3.
Variant type: single nucleotide variant.
Coding change: c.264G>A on transcript NM_001256864.2 (MANE Select); coding-DNA position 264, G replaced by A.
Protein change: p.Gly88=; no amino-acid change (glycine 88 retained).
Molecular consequence: synonymous variant.
Genome position (GRCh38, 1-based): chr1:65,364,705, G>A. VCF-style: chr1-65364705-G-A. GRCh37 (hg19) VCF-style: chr1-65830388-G-A.
Other names: c.54G>A, p.Gly18= (NM_001256865.2); c.93G>A, p.Gly31= (NM_014787.4).
Identifiers: ClinVar variation 729926 (VCV000729926.16), dbSNP rs139946043, ClinGen allele CA893597.

ClinVar aggregate classification (germline): Likely benign. Review status: criteria provided, multiple submitters, no conflicts (2 of 4 stars). 2 submissions from 2 submitters: Likely benign (2). Last evaluated 2025-10-21.

Conditions:
Juvenile onset Parkinson disease 19A. Also called: DNAJC6 Parkinson Disease; PARK19. Identifiers: Orphanet 391411, MedGen C3809811, MONDO:0014231, OMIM 615528.

Allele frequency attached by ClinVar (database versions not stated): ExAC 0.00003; gnomAD 0.00005 and 0.00007; gnomAD exomes 0.00006 and 0.00009; ESP Exome Variant Server 0.00008; TOPMed 0.00011.
gnomAD v4.1: 148 of 1,613,202 alleles (0.0092%); highest among the groups gnomAD compares: Admixed American, 0.018%; no homozygotes.

Submissions (2):

Labcorp Genetics (formerly Invitae), Labcorp
Classification: Likely benign for Juvenile onset Parkinson disease 19A. Last evaluated: 2025-10-21. Review status: criteria provided, single submitter. Criteria: Invitae Variant Classification Sherloc (09022015). Collection method: clinical testing. Allele origin: germline.

CeGaT Center for Human Genetics Tuebingen
Classification: Likely benign. Last evaluated: 2025-03-01. Review status: criteria provided, single submitter. Criteria: CeGaT Center For Human Genetics Tuebingen Variant Classification Criteria Version 2. Collection method: clinical testing. Allele origin: germline. Affected: yes. Observed: 1 variant allele.
Comment: DNAJC6: BP4, BP7